The following is an entry in ClinVar:

NM_001844.5(COL2A1):c.2337del (p.Gly780fs)

Gene: COL2A1 (collagen type II alpha 1 chain; minus strand). Cytogenetic location: 12q13.11.
Variant type: Deletion.
Coding change: c.2337del on transcript NM_001844.5 (MANE Select); coding-DNA position 2337, one base deleted (T; older notation c.2337delT).
Protein change: p.Gly780fs; shifts the reading frame from glycine 780.
Molecular consequence: frameshift variant.
Genome position (GRCh38, 1-based): chr12:47,982,125, A deleted on the plus strand (T on the coding strand, the reverse complement: COL2A1 is on the minus strand). VCF-style (leftmost placement, unchanged base first): chr12-47982124-CA-C. GRCh37 (hg19) VCF-style: chr12-48375907-CA-C.
Other names: c.2130del, p.Gly711fs (NM_033150.3); short protein forms G711fs, G780fs.
Identifiers: ClinVar variation 3893255 (VCV003893255.1).

ClinVar aggregate classification (germline): Pathogenic (1 of 4 stars; one submission).

Conditions:
Type 2 collagenopathy. Identifiers: Orphanet 93421, MedGen C2931073, MONDO:0022800.

Submission:

Illumina Laboratory Services, Illumina
Classification: Pathogenic for Type 2 collagenopathy. Last evaluated: 2024-04-05. Review status: criteria provided, single submitter. Criteria: ICSLVariantClassificationCriteria RUGD 01 April 2020. Collection method: clinical testing. Allele origin: unknown.
Comment: The COL2A1 c.2337del p.(Gly780GlufsTer8) variant causes a shift in the protein reading frame that is predicted to result in premature termination of the protein. Loss of normal protein function through nonsense-mediated mRNA decay is expected. To our knowledge, this variant has not been reported in the peer-reviewed literature. This variant is not observed in version 2.1.1 or version 4.0.0 of the Genome Aggregation Database. Based on the available evidence, the c.2337del p.(Gly780GlufsTer8) variant is classified as pathogenic for COL2A1-related disorders.